The following is an entry in ClinVar:

NM_001376.5(DYNC1H1):c.9092C>T (p.Thr3031Met)

Genes: DYNC1H1 (dynein cytoplasmic 1 heavy chain 1; plus strand), LOC126862060 (BRD4-independent group 4 enhancer GRCh37_chr14:102493659-102494858; plus strand). Cytogenetic location: 14q32.31.
Variant type: single nucleotide variant.
Coding change: c.9092C>T on transcript NM_001376.5 (MANE Select); coding-DNA position 9092, C replaced by T.
Protein change: p.Thr3031Met; replaces threonine 3031 with methionine.
Molecular consequence: missense variant.
Genome position (GRCh38, 1-based): chr14:102,027,662, C>T. VCF-style: chr14-102027662-C-T. GRCh37 (hg19) VCF-style: chr14-102493999-C-T.
Other names: short protein forms T3031M.
Identifiers: ClinVar variation 245807 (VCV000245807.7), dbSNP rs879253956, ClinGen allele CA10584470.
Genomic context (GRCh38, chr14:102,027,662, plus strand): 5'-ACTGTGCTGTTTCCCAGGTGCCTGGTCTCTTTGAAGGAGACGAGTATGCCACCTTGATGA[C>T]GCAGTGCAAAGAGGGGGCACAGAAGGAAGGCCTGATGCTGGACTCGCACGAGGAGCTCTA-3'
Protein context (NP_001367.2, residues 3021-3041): FEGDEYATLM[Thr3031Met]QCKEGAQKEG

ClinVar aggregate classification (germline): Conflicting classifications of pathogenicity. Review status: criteria provided, conflicting classifications (1 of 4 stars). 3 submissions from 3 submitters: Pathogenic (1); Likely pathogenic (1); Uncertain significance (1). Last evaluated 2024-11-04.

Conditions:
DYNC1H1-related disorder. Also called: DYNC1H1-related condition; DYNC1H1-related disorders. Identifiers: MedGen CN381529.
Cortical dysplasia, complex, with other brain malformations 13. Also called: Intellectual disability, autosomal dominant 13. Identifiers: MedGen C3281202, MONDO:0013805, OMIM 614563.

Submissions (3):

Blueprint Genetics
Classification: Likely pathogenic for DYNC1H1-related disorders. Last evaluated: 2024-11-04. Review status: criteria provided, single submitter. Criteria: ACMG Guidelines, 2015. Collection method: clinical testing. Allele origin: germline. Affected: yes. Observed: 2 variant alleles.

GeneDx
Classification: Pathogenic. Last evaluated: 2022-12-29. Review status: criteria provided, single submitter. Criteria: GeneDx Variant Classification Process June 2021. Collection method: clinical testing. Allele origin: germline. Affected: yes.
Comment: Not observed at significant frequency in large population cohorts (gnomAD); In silico analysis supports that this missense variant has a deleterious effect on protein structure/function; Has not been previously published as pathogenic or benign to our knowledge; This variant is associated with the following publications: (PMID: 26100331, 25609763, 25512093)

Provincial Medical Genetics Program of British Columbia, University of British Columbia
Classification: Uncertain significance for Cortical dysplasia, complex, with other brain malformations 13. Last evaluated: 2022-01-01. Review status: criteria provided, single submitter. Criteria: ACMG Guidelines, 2015. Collection method: clinical testing. Allele origin: de novo. Affected: yes.